The following is an entry in ClinVar:

NM_170606.3(KMT2C):c.6979A>G (p.Arg2327Gly)

Gene: KMT2C (lysine methyltransferase 2C; minus strand). Cytogenetic location: 7q36.1.
Variant type: single nucleotide variant.
Coding change: c.6979A>G on transcript NM_170606.3 (MANE Select); coding-DNA position 6979, A replaced by G.
Protein change: p.Arg2327Gly; replaces arginine 2327 with glycine.
Molecular consequence: missense variant.
Genome position (GRCh38, 1-based): chr7:152,180,881, T>C on the plus strand (A>G on the coding strand, the complement: KMT2C is on the minus strand). VCF-style: chr7-152180881-T-C. GRCh37 (hg19) VCF-style: chr7-151877966-T-C.
Other names: short protein forms R2327G.
Identifiers: ClinVar variation 3369038 (VCV003369038.1).

ClinVar aggregate classification (germline): Uncertain significance (1 of 4 stars; one submission).

Submission:

GeneDx
Classification: Uncertain significance. Last evaluated: 2024-02-08. Review status: criteria provided, single submitter. Criteria: GeneDx Variant Classification Process June 2021. Collection method: clinical testing. Allele origin: germline. Affected: yes.
Comment: Not observed at significant frequency in large population cohorts (gnomAD); In silico analysis supports that this missense variant does not alter protein structure/function; Has not been previously published as pathogenic or benign to our knowledge